The following is an entry in ClinVar:

NM_003200.5(TCF3):c.348C>T (p.Gly116=)

Gene: TCF3 (transcription factor 3; minus strand). Cytogenetic location: 19p13.3.
Variant type: single nucleotide variant.
Coding change: c.348C>T on transcript NM_003200.5 (MANE Select); coding-DNA position 348, C replaced by T.
Protein change: p.Gly116=; no amino-acid change (glycine 116 retained).
Molecular consequence: synonymous variant.
Genome position (GRCh38, 1-based): chr19:1,627,377, G>A on the plus strand (C>T on the coding strand, the complement: TCF3 is on the minus strand). VCF-style: chr19-1627377-G-A. GRCh37 (hg19) VCF-style: chr19-1627376-G-A.
Other names: c.348C>T, p.Gly116= (NM_001136139.4, NM_001351778.2, NM_001351779.2).
Identifiers: ClinVar variation 1497260 (VCV001497260.9), dbSNP rs373074854, ClinGen allele CA304105087.

ClinVar aggregate classification (germline): Conflicting classifications of pathogenicity. Review status: criteria provided, conflicting classifications (1 of 4 stars). 2 submissions from 2 submitters: Uncertain significance (1); Likely benign (1). Last evaluated 2026-02-13.

Allele frequency attached by ClinVar (database versions not stated): gnomAD exomes 0.00001 and 0.00006; gnomAD 0.00005 and 0.00006; TOPMed 0.00005.
gnomAD v4.1: 91 of 1,611,132 alleles (0.0056%); highest among the groups gnomAD compares: African/African-American, 0.013%; no homozygotes.

Submissions (2):

Women's Health and Genetics/Laboratory Corporation of America, LabCorp
Classification: Uncertain significance. Last evaluated: 2026-02-13. Review status: criteria provided, single submitter. Criteria: LabCorp Variant Classification Summary - May 2015. Collection method: clinical testing. Allele origin: germline.
Comment: Variant summary: TCF3 c.348C>T alters a non-conserved nucleotide resulting in a synonymous change. Several computational tools predict a significant impact on normal splicing: Three predict the variant creates a 5' donor site. One predict the variant strengthens a 5' donor site. However, these predictions have yet to be confirmed by functional studies. The variant allele was found at a frequency of 1.2e-05 in 243998 control chromosomes. The available data on variant occurrences in the general population are insufficient to allow any conclusion about variant significance. To our knowledge, no occurrence of c.348C>T in individuals affected with TCF3-related conditions and no experimental evidence demonstrating its impact on protein function have been reported. ClinVar contains an entry for this variant (Variation ID: 1497260). Based on the evidence outlined above, the variant was classified as uncertain significance.

Labcorp Genetics (formerly Invitae), Labcorp
Classification: Likely benign. Last evaluated: 2025-08-01. Review status: criteria provided, single submitter. Criteria: Invitae Variant Classification Sherloc (09022015). Collection method: clinical testing. Allele origin: germline.